The following is an entry in ClinVar:

ClinVar aggregate classification (germline): Conflicting classifications of pathogenicity. Review status: criteria provided, conflicting classifications (1 of 4 stars). 3 submissions from 3 submitters: Likely pathogenic (2); Uncertain significance (1). Last evaluated 2021-10-11.

Conditions:
Retinal dystrophy. Also called: Inherited retinal dystrophy. Identifiers: Orphanet 71862, MedGen C0854723, MeSH D058499, MONDO:0019118, HP:0000556.
Cone-rod dystrophy. Also called: Cone-rod degeneration; Cone/cone-rod dystrophy. Identifiers: Orphanet 1872, MedGen C4085590, MONDO:0015993, HP:0000548.
GUCY2D-related disorders.

Submissions (3):

Blueprint Genetics
Classification: Likely pathogenic for GUCY2D-related disorders. Last evaluated: 2021-10-11. Review status: criteria provided, single submitter. Criteria: ACMG Guidelines, 2015. Collection method: clinical testing. Allele origin: germline. Affected: yes. Observed: 2 variant alleles.

Institute of Human Genetics, Univ. Regensburg, Univ. Regensburg
Classification: Likely pathogenic for Retinal dystrophy. Last evaluated: 2018-01-01. Review status: criteria provided, single submitter. Criteria: ACMG Guidelines, 2015. Collection method: clinical testing. Allele origin: germline. Affected: yes.

Department of Genetics, Fundacion Jimenez Diaz University Hospital
Classification: Uncertain significance for Cone-rod dystrophy. Review status: criteria provided, single submitter. Criteria: ACMG Guidelines, 2015. Collection method: clinical testing. Allele origin: unknown. Affected: yes.
Comment: Variant not found in population databases, predicted deleterious by in-silico algorithms and is a novel missense change at an amino acid residue where a different missense change determined to be pathogenic has been seen before (rs1598150793 ). (ACMG: PM2: Moderate; PM5: Moderate; PP5: Supporting)

Literature cited by the submitters: PubMed 31736247 (cited by Institute of Human Genetics, Univ. Regensburg, Univ. Regensburg).

NM_000180.4(GUCY2D):c.2705T>C (p.Val902Ala)

Gene: GUCY2D (guanylate cyclase 2D, retinal; plus strand). Cytogenetic location: 17p13.1.
Variant type: single nucleotide variant.
Coding change: c.2705T>C on transcript NM_000180.4 (MANE Select); coding-DNA position 2705, T replaced by C.
Protein change: p.Val902Ala; replaces valine 902 with alanine.
Molecular consequence: missense variant.
Genome position (GRCh38, 1-based): chr17:8,014,987, T>C. VCF-style: chr17-8014987-T-C. GRCh37 (hg19) VCF-style: chr17-7918305-T-C.
Other names: short protein forms V902A.
Identifiers: ClinVar variation 988657 (VCV000988657.3), dbSNP rs1975935914, ClinGen allele CA397954142.